The following is an entry in ClinVar:

NM_006379.5(SEMA3C):c.1360G>A (p.Gly454Ser)

Gene: SEMA3C (semaphorin 3C; minus strand). Cytogenetic location: 7q21.11.
Variant type: single nucleotide variant.
Coding change: c.1360G>A on transcript NM_006379.5 (MANE Select); coding-DNA position 1360, G replaced by A.
Protein change: p.Gly454Ser; replaces glycine 454 with serine.
Molecular consequence: missense variant.
Genome position (GRCh38, 1-based): chr7:80,765,238, C>T on the plus strand (G>A on the coding strand, the complement: SEMA3C is on the minus strand). VCF-style: chr7-80765238-C-T. GRCh37 (hg19) VCF-style: chr7-80394554-C-T.
Other names: c.1414G>A, p.Gly472Ser (NM_001350120.2); c.1186G>A, p.Gly396Ser (NM_001350121.2); short protein forms G396S, G454S, G472S.
Identifiers: ClinVar variation 4999920 (VCV004999920.1).

ClinVar aggregate classification (germline): Uncertain significance (1 of 4 stars; one submission).

Conditions:
SEMA3C-related disorder. Also called: SEMA3C-related condition.

gnomAD v4.1: 7 of 1,609,338 alleles (0.00043%); highest among the groups gnomAD compares: Non-Finnish European, 0.00042%; no homozygotes.

Submission:

PreventionGenetics, part of Exact Sciences
Classification: Uncertain significance for SEMA3C-related condition. Last evaluated: 2025-08-15. Review status: criteria provided, single submitter. Criteria: ACMG Guidelines, 2015. Collection method: clinical testing. Allele origin: germline.
Comment: The SEMA3C c.1414G>A variant is predicted to result in the amino acid substitution p.Gly472Ser. To our knowledge, this variant has not been reported in the literature. This variant is reported in 0.0046% of alleles in individuals of European (Finnish) descent in gnomAD. At this time, the clinical significance of this variant is uncertain due to the absence of conclusive functional and genetic evidence.